The following is an entry in ClinVar:

NM_015512.5(DNAH1):c.7075C>G (p.Arg2359Gly)

Gene: DNAH1 (dynein axonemal heavy chain 1; plus strand). Cytogenetic location: 3p21.1.
Variant type: single nucleotide variant.
Coding change: c.7075C>G on transcript NM_015512.5 (MANE Select); coding-DNA position 7075, C replaced by G.
Protein change: p.Arg2359Gly; replaces arginine 2359 with glycine.
Molecular consequence: missense variant.
Genome position (GRCh38, 1-based): chr3:52,375,329, C>G. VCF-style: chr3-52375329-C-G. GRCh37 (hg19) VCF-style: chr3-52409345-C-G.
Other names: short protein forms R2359G.
Identifiers: ClinVar variation 1997909 (VCV001997909.4), dbSNP rs774675368, ClinGen allele CA353171103.

ClinVar aggregate classification (germline): Uncertain significance (1 of 4 stars; one submission).

Conditions:
Spermatogenic failure 18. Identifiers: MedGen C4539783, MONDO:0054615, OMIM 617576.
Ciliary dyskinesia, primary, 37 (CILD37). Also called: CILIARY DYSKINESIA, PRIMARY, 37, WITH OR WITHOUT SITUS INVERSUS. Identifiers: MedGen C4539798, MONDO:0033204, OMIM 617577.

gnomAD v4.1: 4 of 1,613,322 alleles (0.00025%); highest among the groups gnomAD compares: South Asian, 0.0022%; no homozygotes.

Submission:

Labcorp Genetics (formerly Invitae), Labcorp
Classification: Uncertain significance for Ciliary dyskinesia, primary, 37; Spermatogenic failure 18. Last evaluated: 2022-06-15. Review status: criteria provided, single submitter. Criteria: Invitae Variant Classification Sherloc (09022015). Collection method: clinical testing. Allele origin: germline.
Comment: In summary, the available evidence is currently insufficient to determine the role of this variant in disease. Therefore, it has been classified as a Variant of Uncertain Significance. Algorithms developed to predict the effect of missense changes on protein structure and function are either unavailable or do not agree on the potential impact of this missense change (SIFT: "Deleterious"; PolyPhen-2: "Probably Damaging"; Align-GVGD: "Class C0"). This variant has not been reported in the literature in individuals affected with DNAH1-related conditions. This variant is not present in population databases (gnomAD no frequency). This sequence change replaces arginine, which is basic and polar, with glycine, which is neutral and non-polar, at codon 2359 of the DNAH1 protein (p.Arg2359Gly).